The following is an entry in ClinVar:

NM_004369.4(COL6A3):c.3758C>A (p.Thr1253Asn)

Gene: COL6A3 (collagen type VI alpha 3 chain; minus strand). Cytogenetic location: 2q37.3.
Variant type: single nucleotide variant.
Coding change: c.3758C>A on transcript NM_004369.4 (MANE Select); coding-DNA position 3758, C replaced by A.
Protein change: p.Thr1253Asn; replaces threonine 1253 with asparagine.
Molecular consequence: missense variant.
Genome position (GRCh38, 1-based): chr2:237,372,259, G>T on the plus strand (C>A on the coding strand, the complement: COL6A3 is on the minus strand). VCF-style: chr2-237372259-G-T. GRCh37 (hg19) VCF-style: chr2-238280902-G-T.
Other names: c.2537C>A, p.Thr846Asn (NM_057164.5); c.3140C>A, p.Thr1047Asn (NM_057165.5, NM_057167.4); c.1937C>A, p.Thr646Asn (NM_057166.5); short protein forms T846N, T1047N, T1253N, T646N.
Identifiers: ClinVar variation 1946096 (VCV001946096.5), dbSNP rs2469897903, ClinGen allele CA351199421.

ClinVar aggregate classification (germline): Uncertain significance (1 of 4 stars; one submission).

Conditions:
Bethlem myopathy 1A. Also called: MYOPATHY, BENIGN CONGENITAL, WITH CONTRACTURES; Bethlem myopathy 1; Bethlem Muscular Dystrophy. Identifiers: Orphanet 610, MedGen CN029274, MONDO:0024530, OMIM 158810.

gnomAD v4.1: 1 of 1,613,816 alleles (0.000062%); highest among the groups gnomAD compares: Non-Finnish European, 0.000085%; no homozygotes.

Submission:

Labcorp Genetics (formerly Invitae), Labcorp
Classification: Uncertain significance for Bethlem myopathy 1A. Last evaluated: 2022-02-20. Review status: criteria provided, single submitter. Criteria: Invitae Variant Classification Sherloc (09022015). Collection method: clinical testing. Allele origin: germline.
Comment: In summary, the available evidence is currently insufficient to determine the role of this variant in disease. Therefore, it has been classified as a Variant of Uncertain Significance. This sequence change replaces threonine, which is neutral and polar, with asparagine, which is neutral and polar, at codon 1253 of the COL6A3 protein (p.Thr1253Asn). This variant is not present in population databases (gnomAD no frequency). This variant has not been reported in the literature in individuals affected with COL6A3-related conditions. Advanced modeling of protein sequence and biophysical properties (such as structural, functional, and spatial information, amino acid conservation, physicochemical variation, residue mobility, and thermodynamic stability) performed at Invitae indicates that this missense variant is not expected to disrupt COL6A3 protein function.